The following is an entry in ClinVar:

ClinVar aggregate classification (germline): Uncertain significance (1 of 4 stars; one submission).

Conditions:
NR5A1-related disorder. Also called: NR5A1-related condition.

gnomAD v4.1: 2 of 1,614,164 alleles (0.00012%); highest among the groups gnomAD compares: East Asian, 0.0022%; no homozygotes.

Submission:

PreventionGenetics, part of Exact Sciences
Classification: Uncertain significance for NR5A1-related condition. Last evaluated: 2025-06-05. Review status: criteria provided, single submitter. Criteria: ACMG Guidelines, 2015. Collection method: clinical testing. Allele origin: germline.
Comment: The NR5A1 c.1174G>C variant is predicted to result in the amino acid substitution p.Asp392His. To our knowledge, this variant has not been reported in the literature. This variant is reported in 0.0054% of alleles in individuals of East Asian descent in gnomAD. At this time, the clinical significance of this variant is uncertain due to the absence of conclusive functional and genetic evidence.

NM_004959.5(NR5A1):c.1174G>C (p.Asp392His)

Gene: NR5A1 (nuclear receptor subfamily 5 group A member 1; minus strand). Cytogenetic location: 9q33.3.
Variant type: single nucleotide variant.
Coding change: c.1174G>C on transcript NM_004959.5 (MANE Select); coding-DNA position 1174, G replaced by C.
Protein change: p.Asp392His; replaces aspartic acid 392 with histidine.
Molecular consequence: missense variant.
Genome position (GRCh38, 1-based): chr9:124,482,970, C>G on the plus strand (G>C on the coding strand, the complement: NR5A1 is on the minus strand). VCF-style: chr9-124482970-C-G. GRCh37 (hg19) VCF-style: chr9-127245249-C-G.
Other names: short protein forms D392H.
Identifiers: ClinVar variation 4986245 (VCV004986245.1).
Genomic context (GRCh38, chr9:124,482,970, plus strand): 5'-AGTGCGGGTAGTGGCACAGGGTGTAGTCAAGCAGGGCGGCGTTGGCCTTCTCCTGAGCGT[C>G]TTTCACCAGGATGTGGTTATTCAGGAACTTCAAATCTGCAAAGGGAGGTTCTCGGTCACC-3'
Protein context (NP_004950.2, residues 382-402): KFLNNHILVK[Asp392His]AQEKANAALL